The following is an entry in ClinVar:

NM_021930.6(RINT1):c.659G>C (p.Trp220Ser)

Gene: RINT1 (RAD50 interactor 1; plus strand). Cytogenetic location: 7q22.3.
Variant type: single nucleotide variant.
Coding change: c.659G>C on transcript NM_021930.6 (MANE Select); coding-DNA position 659, G replaced by C.
Protein change: p.Trp220Ser; replaces tryptophan 220 with serine.
Molecular consequence: missense variant. On other transcripts: 5 prime UTR variant (2), non-coding transcript variant (1), intron variant (1).
Genome position (GRCh38, 1-based): chr7:105,547,053, G>C. VCF-style: chr7-105547053-G-C. GRCh37 (hg19) VCF-style: chr7-105187500-G-C.
Other names: c.425G>C, p.Trp142Ser (NM_001346599.2); c.-361G>C (NM_001346600.2); c.-264G>C (NM_001346601.2); c.-27-3002G>C (NM_001346603.2); short protein forms W142S, W220S.
Identifiers: ClinVar variation 1002762 (VCV001002762.8), dbSNP rs1790697157, ClinGen allele CA368805940.
Genomic context (GRCh38, chr7:105,547,053, plus strand): 5'-AACTTCAGGAATCATCTTGTACTCATCTTCTTGGTTTCATGAGAGCCACAGTTAAATTCT[G>C]GCATAAAATTCTCAAGGACAAGCTTACAAGGTAGGGAATTTACCCATATTTTGTGGTAAT-3'
Protein context (NP_068749.3, residues 210-230): LGFMRATVKF[Trp220Ser]HKILKDKLTS

ClinVar aggregate classification (germline): Uncertain significance (1 of 4 stars; one submission).

Submission:

Labcorp Genetics (formerly Invitae), Labcorp
Classification: Uncertain significance. Last evaluated: 2017-05-12. Review status: criteria provided, single submitter. Criteria: Invitae Variant Classification Sherloc (09022015). Collection method: clinical testing. Allele origin: germline.
Comment: This variant is not present in population databases (ExAC no frequency) and has not been reported in the literature in individuals with a RINT1-related disease. This sequence change replaces tryptophan with serine at codon 220 of the RINT1 protein (p.Trp220Ser). The tryptophan residue is highly conserved and there is a large physicochemical difference between tryptophan and serine. Algorithms developed to predict the effect of missense changes on protein structure and function (SIFT, PolyPhen-2, Align-GVGD) all suggest that this variant is likely to be disruptive, but these predictions have not been confirmed by published functional studies. In summary, this variant is a novel missense change with uncertain impact on protein function. It has been classified as a Variant of Uncertain Significance.